The following is an entry in ClinVar:

ClinVar aggregate classification (germline): Conflicting classifications of pathogenicity. Review status: criteria provided, conflicting classifications (1 of 4 stars). 2 submissions from 2 submitters: Pathogenic (1); Uncertain significance (1). Last evaluated 2021-01-14.

Conditions:
Bardet-Biedl syndrome (BBS). Identifiers: Orphanet 110, MedGen C0752166, MONDO:0015229.

Submissions (2):

Labcorp Genetics (formerly Invitae), Labcorp
Classification: Pathogenic for Bardet-Biedl syndrome. Last evaluated: 2021-01-14. Review status: criteria provided, single submitter. Criteria: Invitae Variant Classification Sherloc (09022015). Collection method: clinical testing. Allele origin: germline.
Comment: This sequence change creates a premature translational stop signal (p.Ile702Alafs*20) in the BBS2 gene. While this is not anticipated to result in nonsense mediated decay, it is expected to disrupt the last 20 amino acid(s) of the BBS2 protein. This variant is not present in population databases (ExAC no frequency). This variant has not been reported in the literature in individuals with BBS2-related conditions. This variant disrupts the C-terminus of the BBS2 protein. Other variant(s) that disrupt this region (p.Arg703*) have been determined to be pathogenic (PMID: 21344540, 25999675, Invitae). This suggests that variants that disrupt this region of the protein are likely to be causative of disease. For these reasons, this variant has been classified as Pathogenic.

Blueprint Genetics
Classification: Uncertain significance. Last evaluated: 2020-12-24. Review status: criteria provided, single submitter. Criteria: ACMG Guidelines, 2015. Collection method: clinical testing. Allele origin: germline.

Literature cited by the submitters: PubMed 21344540 (cited by Labcorp Genetics (formerly Invitae), Labcorp); PubMed 25999675 (cited by Labcorp Genetics (formerly Invitae), Labcorp).

NM_031885.5(BBS2):c.2104_2110del (p.Ile702fs)

Gene: BBS2 (Bardet-Biedl syndrome 2; minus strand). Cytogenetic location: 16q13.
Variant type: Deletion.
Coding change: c.2104_2110del on transcript NM_031885.5 (MANE Select); coding-DNA positions 2104 to 2110, 7 bases deleted (ATTCGAA; older notation c.2104_2110delATTCGAA).
Protein change: p.Ile702fs; shifts the reading frame from isoleucine 702.
Molecular consequence: frameshift variant. On other transcripts: non-coding transcript variant (5).
Genome position (GRCh38, 1-based): chr16:56,484,817-56,484,823, TTCGAAT deleted on the plus strand (ATTCGAA on the coding strand, the reverse complement: BBS2 is on the minus strand); deleting any 7 consecutive bases within chr16:56,484,817-56,484,824 gives the same sequence; the c. name uses the placement nearest the transcript's 3' end. VCF-style (leftmost placement, unchanged base first): chr16-56484816-CTTCGAAT-C. GRCh37 (hg19) VCF-style: chr16-56518728-CTTCGAAT-C.
Other names: c.2104_2110del, p.Ile702fs (NM_001377456.1); short protein forms I702fs.
Identifiers: ClinVar variation 1367667 (VCV001367667.9), dbSNP rs2144093084, ClinGen allele CA2573152421.
Genomic context (GRCh38, chr16:56,484,816, plus strand): 5'-CTCACCTAGGAAGAAGCTGTCCCCACTCGCATGATTTTGAACAGTGTGTTGATGTTATTG[CTTCGAAT>C]TGCATCCCGACAAGCAGTGATCACCTGGTTCTTTGGTTTTCCAACTGCATAAGAAGAAAC-3'